The following is an entry in ClinVar:

ClinVar aggregate classification (germline): Benign/Likely benign. Review status: criteria provided, multiple submitters, no conflicts (2 of 4 stars). 3 submissions from 3 submitters: Benign (1); Likely benign (2). Last evaluated 2025-11-05.

Conditions:
Familial cancer of breast. Also called: BREAST CANCER, FAMILIAL; Hereditary breast cancer; hereditary breast carcinoma. Identifiers: Orphanet 227535, MedGen C0346153, MONDO:0016419, OMIM 114480. Disease mechanism: loss of function.
Hereditary cancer-predisposing syndrome. Also called: Neoplastic Syndromes, Hereditary; Hereditary Cancer Syndrome; Hereditary neoplastic syndrome; Tumor predisposition. Identifiers: Orphanet 140162, MedGen C0027672, MeSH D009386, MONDO:0015356.

gnomAD v4.1: 1 of 1,614,116 alleles (0.000062%); highest among the groups gnomAD compares: Non-Finnish European, 0.000085%; no homozygotes.

Submissions (3):

Labcorp Genetics (formerly Invitae), Labcorp
Classification: Likely benign for Familial cancer of breast. Last evaluated: 2025-11-05. Review status: criteria provided, single submitter. Criteria: Invitae Variant Classification Sherloc (09022015). Collection method: clinical testing. Allele origin: germline.

Myriad Genetics, Inc.
Classification: Benign for Familial cancer of breast. Last evaluated: 2025-01-13. Review status: criteria provided, single submitter. Criteria: Myriad Autosomal Dominant, Autosomal Recessive and X-Linked Classification Criteria (2023). Collection method: clinical testing. Allele origin: unknown.
Comment: This variant is considered benign. This variant is a silent/synonymous amino acid change and it is not expected to impact splicing.

Ambry Genetics
Classification: Likely benign for Hereditary cancer-predisposing syndrome. Last evaluated: 2019-10-06. Review status: criteria provided, single submitter. Criteria: Ambry Variant Classification Scheme 2023. Collection method: clinical testing. Allele origin: germline.

NM_024675.4(PALB2):c.1356C>T (p.Asn452=)

Gene: PALB2 (partner and localizer of BRCA2; minus strand). Cytogenetic location: 16p12.2.
Variant type: single nucleotide variant.
Coding change: c.1356C>T on transcript NM_024675.4 (MANE Select); coding-DNA position 1356, C replaced by T.
Protein change: p.Asn452=; no amino-acid change (asparagine 452 retained).
Molecular consequence: synonymous variant.
Genome position (GRCh38, 1-based): chr16:23,635,190, G>A on the plus strand (C>T on the coding strand, the complement: PALB2 is on the minus strand). VCF-style: chr16-23635190-G-A. GRCh37 (hg19) VCF-style: chr16-23646511-G-A.
Identifiers: ClinVar variation 460890 (VCV000460890.13), dbSNP rs1555461327, ClinGen allele CA494461506.